The following is an entry in ClinVar:

NM_004006.3(DMD):c.5808G>C (p.Leu1936Phe)

Gene: DMD (dystrophin; minus strand). Cytogenetic location: Xp21.1.
Variant type: single nucleotide variant.
Coding change: c.5808G>C on transcript NM_004006.3 (MANE Select); coding-DNA position 5808, G replaced by C.
Protein change: p.Leu1936Phe; replaces leucine 1936 with phenylalanine.
Molecular consequence: missense variant.
Genome position (GRCh38, 1-based): chrX:32,342,214, C>G on the plus strand (G>C on the coding strand, the complement: DMD is on the minus strand). VCF-style: chrX-32342214-C-G. GRCh37 (hg19) VCF-style: chrX-32360331-C-G.
Other names: c.5784G>C, p.Leu1928Phe (NM_000109.4); c.5796G>C, p.Leu1932Phe (NM_004009.3); c.5439G>C, p.Leu1813Phe (NM_004010.3); c.1785G>C, p.Leu595Phe (NM_004011.4); c.1776G>C, p.Leu592Phe (NM_004012.4); short protein forms L1813F, L1928F, L1932F, L1936F, L592F, L595F.
Identifiers: ClinVar variation 4799718 (VCV004799718.1).

ClinVar aggregate classification (germline): Uncertain significance (1 of 4 stars; one submission).

Conditions:
Duchenne muscular dystrophy (DMD). Also called: MUSCULAR DYSTROPHY, PSEUDOHYPERTROPHIC PROGRESSIVE, DUCHENNE TYPE; Duchenne Muscular Dystrophy (DMD). Identifiers: Orphanet 98896, MedGen C0013264, MONDO:0010679, OMIM 310200.

Submission:

Labcorp Genetics (formerly Invitae), Labcorp
Classification: Uncertain significance for Duchenne muscular dystrophy. Last evaluated: 2025-10-01. Review status: criteria provided, single submitter. Criteria: Invitae Variant Classification Sherloc (09022015). Collection method: clinical testing. Allele origin: germline.
Comment: This sequence change replaces leucine, which is neutral and non-polar, with phenylalanine, which is neutral and non-polar, at codon 1936 of the DMD protein (p.Leu1936Phe). This variant is not present in population databases (gnomAD no frequency). This variant has not been reported in the literature in individuals affected with DMD-related conditions. Invitae Evidence Modeling of protein sequence and biophysical properties (such as structural, functional, and spatial information, amino acid conservation, physicochemical variation, residue mobility, and thermodynamic stability) indicates that this missense variant is not expected to disrupt DMD protein function with a negative predictive value of 95%. In summary, the available evidence is currently insufficient to determine the role of this variant in disease. Therefore, it has been classified as a Variant of Uncertain Significance.